The following is an entry in ClinVar:

ClinVar aggregate classification (germline): Uncertain significance (1 of 4 stars; one submission).

Conditions:
Cardiovascular phenotype. Identifiers: MedGen CN230736.

Allele frequency attached by ClinVar (database versions not stated): gnomAD exomes below 0.00001.
gnomAD v4.1: 1 of 1,613,894 alleles (0.000062%); highest among the groups gnomAD compares: African/African-American, 0.0013%; no homozygotes.

Submission:

Ambry Genetics
Classification: Uncertain significance for Cardiovascular phenotype. Last evaluated: 2023-10-10. Review status: criteria provided, single submitter. Criteria: Ambry Variant Classification Scheme 2023. Collection method: clinical testing. Allele origin: germline.
Comment: The p.T975S variant (also known as c.2923A>T), located in coding exon 24 of the JAG1 gene, results from an A to T substitution at nucleotide position 2923. The threonine at codon 975 is replaced by serine, an amino acid with similar properties. This amino acid position is conserved. In addition, this alteration is predicted to be tolerated by in silico analysis. Since supporting evidence is limited at this time, the clinical significance of this alteration remains unclear.

NM_000214.3(JAG1):c.2923A>T (p.Thr975Ser)

Gene: JAG1 (jagged canonical Notch ligand 1; minus strand). Cytogenetic location: 20p12.2.
Variant type: single nucleotide variant.
Coding change: c.2923A>T on transcript NM_000214.3 (MANE Select); coding-DNA position 2923, A replaced by T.
Protein change: p.Thr975Ser; replaces threonine 975 with serine.
Molecular consequence: missense variant.
Genome position (GRCh38, 1-based): chr20:10,641,238, T>A on the plus strand (A>T on the coding strand, the complement: JAG1 is on the minus strand). VCF-style: chr20-10641238-T-A. GRCh37 (hg19) VCF-style: chr20-10621886-T-A.
Other names: short protein forms T975S.
Identifiers: ClinVar variation 3230618 (VCV003230618.1), dbSNP rs1476119398, ClinGen allele CA408244663.